The following is an entry in ClinVar:

NM_001348800.3(ZBTB20):c.1747T>C (p.Cys583Arg)

Gene: ZBTB20 (zinc finger and BTB domain containing 20; minus strand). Cytogenetic location: 3q13.31.
Variant type: single nucleotide variant.
Coding change: c.1747T>C on transcript NM_001348800.3 (MANE Select); coding-DNA position 1747, T replaced by C.
Protein change: p.Cys583Arg; replaces cysteine 583 with arginine.
Molecular consequence: missense variant.
Genome position (GRCh38, 1-based): chr3:114,350,331, A>G on the plus strand (T>C on the coding strand, the complement: ZBTB20 is on the minus strand). VCF-style: chr3-114350331-A-G. GRCh37 (hg19) VCF-style: chr3-114069178-A-G.
Other names: c.1528T>C, p.Cys510Arg (NM_001348804.3, NM_001348805.3, NM_001393395.1 and 9 more transcripts); c.1747T>C, p.Cys583Arg (NM_001393393.1, NM_001393394.1, NM_001164342.2 and 1 more transcripts); short protein forms C510R, C583R.
Identifiers: ClinVar variation 2808726 (VCV002808726.3), dbSNP rs2550499342, ClinGen allele CA354006126.

ClinVar aggregate classification (germline): Likely pathogenic (1 of 4 stars; one submission).

Submission:

Labcorp Genetics (formerly Invitae), Labcorp
Classification: Likely pathogenic. Last evaluated: 2022-10-25. Review status: criteria provided, single submitter. Criteria: Invitae Variant Classification Sherloc (09022015). Collection method: clinical testing. Allele origin: germline.
Comment: This variant has not been reported in the literature in individuals affected with ZBTB20-related conditions. This sequence change replaces cysteine, which is neutral and slightly polar, with arginine, which is basic and polar, at codon 583 of the ZBTB20 protein (p.Cys583Arg). This variant is not present in population databases (gnomAD no frequency). Advanced modeling of protein sequence and biophysical properties (such as structural, functional, and spatial information, amino acid conservation, physicochemical variation, residue mobility, and thermodynamic stability) performed at Invitae indicates that this missense variant is expected to disrupt ZBTB20 protein function. This variant disrupts the p.Cys583 amino acid residue in ZBTB20. Other variant(s) that disrupt this residue have been determined to be pathogenic (PMID: 30637921). This suggests that this residue is clinically significant, and that variants that disrupt this residue are likely to be disease-causing. In summary, the currently available evidence indicates that the variant is pathogenic, but additional data are needed to prove that conclusively. Therefore, this variant has been classified as Likely Pathogenic.

Literature cited by the submitters: PubMed 30637921.